The following is an entry in ClinVar:

ClinVar aggregate classification (germline): Uncertain significance (1 of 4 stars; one submission).

Conditions:
Myoclonic dystonia 11 (DYT11). Also called: DYT-SGCE; Myoclonic dystonia; Dystonia 11; Dystonia, alcohol responsive; Hereditary essential myoclonus; SGCE Myoclonus-Dystonia. Identifiers: Orphanet 36899, MedGen C1834570, MONDO:0008044, OMIM 159900.

Submission:

New York Genome Center
Classification: Uncertain significance for Myoclonic dystonia 11. Last evaluated: 2021-07-30. Review status: criteria provided, single submitter. Criteria: NYGC Assertion Criteria 2020. Collection method: clinical testing. Allele origin: inherited. Observed: 1 heterozygote. Study: CSER-NYCKidSeq.
Comment: The inherited c.110-9608G>A deep intronic variant identified in SGCE has not been reported in the literature or public repositories and is absent from population databases (gnomAD v3.1.1 and TOPMed freeze 5). The c.110-9608G>A variant resides in intron 1 of the canonical transcript and in silico algorithms predict conflicting effects on mRNA splicing. Given the lack of further evidence, this inherited c.110-9608G>A deep intronic variant identified in SGCE is reported as a Variant of Uncertain Significance.

NM_003919.3(SGCE):c.110-9608G>A

Gene: SGCE (sarcoglycan epsilon; minus strand). Cytogenetic location: 7q21.3.
Variant type: single nucleotide variant.
Coding change: c.110-9608G>A on transcript NM_003919.3 (MANE Select); 9608 bases into the intron before coding-DNA position 110, G replaced by A.
Molecular consequence: intron variant. On other transcripts: splice acceptor variant (4).
Genome position (GRCh38, 1-based): chr7:94,639,449, C>T on the plus strand (G>A on the coding strand, the complement: SGCE is on the minus strand). VCF-style: chr7-94639449-C-T. GRCh37 (hg19) VCF-style: chr7-94268761-C-T.
Other names: c.110-11090G>A (NM_001362809.2, NM_001301139.2); c.110-9608G>A (NM_001346717.2, NM_001099400.2, NM_001099401.2); c.110-1G>A (NM_001346715.2, NM_001346713.2); c.-86-1G>A (NM_001362807.2, NM_001346719.2); c.-165+5157G>A (NM_001362808.2, NM_001346720.2).
Identifiers: ClinVar variation 1696558 (VCV001696558.1), dbSNP rs2117037022, ClinGen allele CA368393529.
Genomic context (GRCh38, chr7:94,639,449, plus strand): 5'-CCTGTCTGGTCTTCCAGTTAACTGTTCCATTTATGCCATCAGCACAGCTTAATAAAAAAG[C>T]TTTTCAGAATAAAACAAATGTACAAAAAAATGAAATTAATGTCATGATTTTTTAAAATGA-3'